The following is an entry in ClinVar:

ClinVar aggregate classification (germline): Uncertain significance (1 of 4 stars; one submission).

Conditions:
Sulfite oxidase deficiency due to molybdenum cofactor deficiency type C. Also called: Molybdenum cofactor deficiency, complementation group C; Molybdenum cofactor deficiency C. Identifiers: Orphanet 308400, Orphanet 833, MedGen C1854990, MONDO:0014212, OMIM 615501.

Allele frequency attached by ClinVar (database versions not stated): ExAC 0.00002; gnomAD 0.00002; TOPMed 0.00002.
gnomAD v4.1: 13 of 1,613,060 alleles (0.00081%); highest among the groups gnomAD compares: East Asian, 0.027%; no homozygotes.

Submission:

Labcorp Genetics (formerly Invitae), Labcorp
Classification: Uncertain significance for Sulfite oxidase deficiency due to molybdenum cofactor deficiency type C. Last evaluated: 2024-10-04. Review status: criteria provided, single submitter. Criteria: Invitae Variant Classification Sherloc (09022015). Collection method: clinical testing. Allele origin: germline.
Comment: This sequence change replaces alanine, which is neutral and non-polar, with threonine, which is neutral and polar, at codon 346 of the GPHN protein (p.Ala346Thr). This variant is present in population databases (rs755326051, gnomAD 0.06%). This variant has not been reported in the literature in individuals affected with GPHN-related conditions. ClinVar contains an entry for this variant (Variation ID: 2154498). Invitae Evidence Modeling of protein sequence and biophysical properties (such as structural, functional, and spatial information, amino acid conservation, physicochemical variation, residue mobility, and thermodynamic stability) indicates that this missense variant is not expected to disrupt GPHN protein function with a negative predictive value of 80%. In summary, the available evidence is currently insufficient to determine the role of this variant in disease. Therefore, it has been classified as a Variant of Uncertain Significance.

NM_020806.5(GPHN):c.1036G>A (p.Ala346Thr)

Gene: GPHN (gephyrin; plus strand). Cytogenetic location: 14q23.3.
Variant type: single nucleotide variant.
Coding change: c.1036G>A on transcript NM_020806.5 (MANE Select); coding-DNA position 1036, G replaced by A.
Protein change: p.Ala346Thr; replaces alanine 346 with threonine.
Molecular consequence: missense variant.
Genome position (GRCh38, 1-based): chr14:67,058,678, G>A. VCF-style: chr14-67058678-G-A. GRCh37 (hg19) VCF-style: chr14-67525395-G-A.
Other names: c.937G>A, p.Ala313Thr (NM_001024218.2); c.1096G>A, p.Ala366Thr (NM_001377514.1); c.1066G>A, p.Ala356Thr (NM_001377515.1); c.1057G>A, p.Ala353Thr (NM_001377516.1); c.1009G>A, p.Ala337Thr (NM_001377517.1); c.994G>A, p.Ala332Thr (NM_001377518.1); c.976G>A, p.Ala326Thr (NM_001377519.1); short protein forms A326T, A337T, A356T, A313T, A346T, A366T, A332T, A353T.
Identifiers: ClinVar variation 2154498 (VCV002154498.4), dbSNP rs755326051, ClinGen allele CA7233936.